The following is an entry in ClinVar:

NM_005359.6(SMAD4):c.476A>T (p.Lys159Met)

Gene: SMAD4 (SMAD family member 4; plus strand). Cytogenetic location: 18q21.2.
Variant type: single nucleotide variant.
Coding change: c.476A>T on transcript NM_005359.6 (MANE Select); coding-DNA position 476, A replaced by T.
Protein change: p.Lys159Met; replaces lysine 159 with methionine.
Molecular consequence: missense variant.
Genome position (GRCh38, 1-based): chr18:51,054,802, A>T. VCF-style: chr18-51054802-A-T. GRCh37 (hg19) VCF-style: chr18-48581172-A-T.
Other names: c.476A>T, p.Lys159Met (NM_001407041.1, NM_001407042.1, NM_001407043.1); short protein forms K159M.
Identifiers: ClinVar variation 1948322 (VCV001948322.6), dbSNP rs1909795433, ClinGen allele CA402460624.

ClinVar aggregate classification (germline): Uncertain significance. Review status: criteria provided, multiple submitters, no conflicts (2 of 4 stars). 2 submissions from 2 submitters: Uncertain significance (2). Last evaluated 2025-11-24.

Conditions:
Juvenile polyposis syndrome (JPS). Identifiers: Orphanet 2929, MedGen C0345893, MONDO:0017380, OMIM 174900.
Familial thoracic aortic aneurysm and aortic dissection (TAAD). Also called: Thoracic aortic aneurysms and dissections. Identifiers: Orphanet 91387, MedGen C4707243, MONDO:0019625.
Hereditary cancer-predisposing syndrome. Also called: Neoplastic Syndromes, Hereditary; Hereditary neoplastic syndrome; Tumor predisposition; Hereditary Cancer Syndrome. Identifiers: Orphanet 140162, MedGen C0027672, MeSH D009386, MONDO:0015356.

Submissions (2):

Ambry Genetics
Classification: Uncertain significance for Hereditary cancer-predisposing syndrome; Familial thoracic aortic aneurysm and aortic dissection. Last evaluated: 2025-11-24. Review status: criteria provided, single submitter. Criteria: Ambry Variant Classification Scheme 2023. Collection method: clinical testing. Allele origin: germline.
Comment: The p.K159M variant (also known as c.476A>T), located in coding exon 4 of the SMAD4 gene, results from an A to T substitution at nucleotide position 476. The lysine at codon 159 is replaced by methionine, an amino acid with similar properties. This amino acid position is conserved. In addition, this alteration is predicted to be deleterious by in silico analysis. Based on the available evidence, the clinical significance of this variant remains unclear.

Labcorp Genetics (formerly Invitae), Labcorp
Classification: Uncertain significance for Juvenile polyposis syndrome. Last evaluated: 2022-01-18. Review status: criteria provided, single submitter. Criteria: Invitae Variant Classification Sherloc (09022015). Collection method: clinical testing. Allele origin: germline.
Comment: This sequence change replaces lysine, which is basic and polar, with methionine, which is neutral and non-polar, at codon 159 of the SMAD4 protein (p.Lys159Met). This variant is not present in population databases (gnomAD no frequency). This variant has not been reported in the literature in individuals affected with SMAD4-related conditions. Advanced modeling of protein sequence and biophysical properties (such as structural, functional, and spatial information, amino acid conservation, physicochemical variation, residue mobility, and thermodynamic stability) performed at Invitae indicates that this missense variant is expected to disrupt SMAD4 protein function. In summary, the available evidence is currently insufficient to determine the role of this variant in disease. Therefore, it has been classified as a Variant of Uncertain Significance.